The following is an entry in ClinVar:

NM_001283009.2(RTEL1):c.2557-5_2557-3del

Genes: RTEL1 (regulator of telomere elongation helicase 1; plus strand), RTEL1-TNFRSF6B (RTEL1-TNFRSF6B readthrough (NMD candidate); plus strand). Cytogenetic location: 20q13.33.
Variant type: Microsatellite.
Coding change: c.2557-5_2557-3del on transcript NM_001283009.2 (MANE Select); 5 bases into the intron before coding-DNA position 2557 through 3 bases into the intron before coding-DNA position 2557, 3 bases deleted (CTC; older notation c.2557-5_2557-3delCTC).
Molecular consequence: intron variant.
Genome position (GRCh38, 1-based): chr20:63,691,737-63,691,739, CTC deleted; deleting any 3 consecutive bases within chr20:63,691,732-63,691,739 gives the same sequence; the c. name uses the placement nearest the transcript's 3' end. VCF-style (leftmost placement, unchanged base first): chr20-63691731-GTCC-G. GRCh37 (hg19) VCF-style: chr20-62323084-GTCC-G.
Other names: c.1888-5_1888-3del (NM_001283010.1); c.2629-5_2629-3del (NM_032957.5); c.2557-5_2557-3del (NM_016434.4).
Identifiers: ClinVar variation 1424633 (VCV001424633.5), dbSNP rs1279921309, ClinGen allele CA636359410.

ClinVar aggregate classification (germline): Uncertain significance (1 of 4 stars; one submission).

Conditions:
Pulmonary fibrosis and/or bone marrow failure, Telomere-related, 3. Also called: PULMONARY FIBROSIS AND/OR BONE MARROW FAILURE SYNDROME, TELOMERE-RELATED, 3. Identifiers: Orphanet 2032, MedGen C4225346, MONDO:0014613, OMIM 616373.
Dyskeratosis congenita, autosomal recessive 5 (DKCB5). Identifiers: MedGen C3554656, MONDO:0014076, OMIM 615190.

Submission:

Labcorp Genetics (formerly Invitae), Labcorp
Classification: Uncertain significance for Dyskeratosis congenita, autosomal recessive 5; Pulmonary fibrosis and/or bone marrow failure, Telomere-related, 3. Last evaluated: 2021-08-31. Review status: criteria provided, single submitter. Criteria: Invitae Variant Classification Sherloc (09022015). Collection method: clinical testing. Allele origin: germline.
Comment: This sequence change falls in intron 27 of the RTEL1 gene. It does not directly change the encoded amino acid sequence of the RTEL1 protein. This variant is not present in population databases (ExAC no frequency). This variant has not been reported in the literature in individuals affected with RTEL1-related conditions. Algorithms developed to predict the effect of sequence changes on RNA splicing suggest that this variant may disrupt the consensus splice site. In summary, the available evidence is currently insufficient to determine the role of this variant in disease. Therefore, it has been classified as a Variant of Uncertain Significance.